The following is an entry in ClinVar:

NM_001849.4(COL6A2):c.714+53C>T

Gene: COL6A2 (collagen type VI alpha 2 chain; plus strand). Cytogenetic location: 21q22.3.
Variant type: single nucleotide variant.
Coding change: c.714+53C>T on transcript NM_001849.4 (MANE Select); 53 bases into the intron after coding-DNA position 714, C replaced by T.
Molecular consequence: intron variant.
Genome position (GRCh38, 1-based): chr21:46,112,630, C>T. VCF-style: chr21-46112630-C-T. GRCh37 (hg19) VCF-style: chr21-47532544-C-T.
Other names: c.714+53C>T (NM_058175.3, NM_058174.3).
Identifiers: ClinVar variation 679205 (VCV000679205.2), dbSNP rs1010688, ClinGen allele CA14865396.

ClinVar aggregate classification (germline): Benign. Review status: criteria provided, multiple submitters, no conflicts (2 of 4 stars). 2 submissions from 2 submitters: Benign (2). Last evaluated 2018-06-14.

Allele frequency attached by ClinVar (database versions not stated): 1000 Genomes Project 30x 0.37102; 1000 Genomes Project 0.37380; TOPMed 0.41959; gnomAD 0.43341 and 0.43374; gnomAD exomes 0.50542.
gnomAD v4.1: 795,786 of 1,598,130 alleles (50%); highest among the groups gnomAD compares: Admixed American, 63%; 205,451 homozygotes.

Submissions (2):

GeneDx
Classification: Benign. Last evaluated: 2018-06-14. Review status: criteria provided, single submitter. Criteria: GeneDx Variant Classification (06012015). Collection method: clinical testing. Allele origin: germline. Affected: yes.
Comment: This variant is considered likely benign or benign based on one or more of the following criteria: it is a conservative change, it occurs at a poorly conserved position in the protein, it is predicted to be benign by multiple in silico algorithms, and/or has population frequency not consistent with disease.

Breakthrough Genomics
Classification: Benign. Review status: criteria provided, single submitter. Criteria: ACMG Guidelines, 2015. Collection method: not provided. Allele origin: germline. Inheritance: Autosomal recessive inheritance. Affected: yes.